The following is an entry in ClinVar:

ClinVar aggregate classification (germline): Uncertain significance (1 of 4 stars; one submission).

gnomAD v4.1: 1 of 1,614,064 alleles (0.000062%); highest among the groups gnomAD compares: Non-Finnish European, 0.000085%; no homozygotes.

Submission:

GeneDx
Classification: Uncertain significance. Last evaluated: 2025-02-25. Review status: criteria provided, single submitter. Criteria: GeneDx Variant Classification Process June 2021. Collection method: clinical testing. Allele origin: germline. Affected: yes.
Comment: Not observed at significant frequency in large population cohorts (gnomAD); In silico analysis supports that this missense variant has a deleterious effect on protein structure/function; Has not been previously published as pathogenic or benign to our knowledge

NM_007118.4(TRIO):c.4450G>A (p.Gly1484Arg)

Gene: TRIO (trio Rho guanine nucleotide exchange factor; plus strand). Cytogenetic location: 5p15.2.
Variant type: single nucleotide variant.
Coding change: c.4450G>A on transcript NM_007118.4 (MANE Select); coding-DNA position 4450, G replaced by A.
Protein change: p.Gly1484Arg; replaces glycine 1484 with arginine.
Molecular consequence: missense variant. On other transcripts: non-coding transcript variant (1).
Genome position (GRCh38, 1-based): chr5:14,398,906, G>A. VCF-style: chr5-14398906-G-A. GRCh37 (hg19) VCF-style: chr5-14399015-G-A.
Other names: short protein forms G1484R.
Identifiers: ClinVar variation 4077223 (VCV004077223.1).
Genomic context (GRCh38, chr5:14,398,906, plus strand): 5'-TAAATTGATTTGCCTCCCTTTTTTCATGTTGTAGGGTTTGATGAAAACATTGAGTCTCAG[G>A]GAGAACTCATCCTACAGGAATCCTTCCAAGTGTGGGACCCAAAAACCTTAATTCGAAAGG-3'
Protein context (NP_009049.2, residues 1474-1494): EGFDENIESQ[Gly1484Arg]ELILQESFQV